The following is an entry in ClinVar:

NM_001080414.4(CCDC88C):c.3555C>T (p.Tyr1185=)

Gene: CCDC88C (coiled-coil and HOOK domain protein 88C; minus strand). Cytogenetic location: 14q32.11.
Variant type: single nucleotide variant.
Coding change: c.3555C>T on transcript NM_001080414.4 (MANE Select); coding-DNA position 3555, C replaced by T.
Protein change: p.Tyr1185=; no amino-acid change (tyrosine 1185 retained).
Molecular consequence: synonymous variant.
Genome position (GRCh38, 1-based): chr14:91,303,781, G>A on the plus strand (C>T on the coding strand, the complement: CCDC88C is on the minus strand). VCF-style: chr14-91303781-G-A. GRCh37 (hg19) VCF-style: chr14-91770125-G-A.
Other names: c.3555C>T (NM_001080414.3).
Identifiers: ClinVar variation 2076798 (VCV002076798.6), dbSNP rs375940741, ClinGen allele CA7309299.

ClinVar aggregate classification (germline): Benign. Review status: criteria provided, single submitter (1 of 4 stars). 2 submissions from 2 submitters: Benign (1). 1 of the submissions does not count toward it. Last evaluated 2025-12-15.

Conditions:
CCDC88C-related disorder. Also called: CCDC88C-Related Disorders; CCDC88C-related condition.

Allele frequency attached by ClinVar (database versions not stated): ExAC 0.00007; ESP Exome Variant Server 0.00008; gnomAD 0.00025; TOPMed 0.00033.
gnomAD v4.1: 103 of 1,613,390 alleles (0.0064%); highest among the groups gnomAD compares: African/African-American, 0.084%; 1 homozygote.

Submissions (2):

Labcorp Genetics (formerly Invitae), Labcorp
Classification: Benign. Last evaluated: 2025-12-15. Review status: criteria provided, single submitter. Criteria: Invitae Variant Classification Sherloc (09022015). Collection method: clinical testing. Allele origin: germline.

PreventionGenetics, part of Exact Sciences
Classification: Likely benign for CCDC88C-related condition. Last evaluated: 2019-06-27. Review status: no assertion criteria provided. Collection method: clinical testing. Allele origin: germline. Not counted in ClinVar's aggregate classification.
Comment: This variant is classified as likely benign based on ACMG/AMP sequence variant interpretation guidelines (Richards et al. 2015 PMID: 25741868, with internal and published modifications).